The following is an entry in ClinVar:

NM_015295.3(SMCHD1):c.3698A>G (p.Asp1233Gly)

Gene: SMCHD1 (structural maintenance of chromosomes flexible hinge domain containing 1; plus strand). Cytogenetic location: 18p11.32.
Variant type: single nucleotide variant.
Coding change: c.3698A>G on transcript NM_015295.3 (MANE Select); coding-DNA position 3698, A replaced by G.
Protein change: p.Asp1233Gly; replaces aspartic acid 1233 with glycine.
Molecular consequence: missense variant.
Genome position (GRCh38, 1-based): chr18:2,743,825, A>G. VCF-style: chr18-2743825-A-G. GRCh37 (hg19) VCF-style: chr18-2743823-A-G.
Other names: c.3698A>G (NM_015295.2); short protein forms D1233G.
Identifiers: ClinVar variation 3011006 (VCV003011006.4), dbSNP rs1466799195, ClinGen allele CA401689533.

ClinVar aggregate classification (germline): Uncertain significance. Review status: criteria provided, multiple submitters, no conflicts (2 of 4 stars). 2 submissions from 2 submitters: Uncertain significance (2). Last evaluated 2023-08-09.

Conditions:
Facioscapulohumeral muscular dystrophy 2 (FSHD2). Also called: MUSCULAR DYSTROPHY, FACIOSCAPULOHUMERAL, TYPE 1B; FACIOSCAPULOHUMERAL MUSCULAR DYSTROPHY 2, DIGENIC; FSHD2, DIGENIC. Identifiers: Orphanet 269, MedGen C1834671, MONDO:0008031, OMIM 158901.

gnomAD v4.1: 3 of 1,613,234 alleles (0.00019%); highest among the groups gnomAD compares: Admixed American, 0.0033%; no homozygotes.

Submissions (2):

Labcorp Genetics (formerly Invitae), Labcorp
Classification: Uncertain significance for Facioscapulohumeral muscular dystrophy 2. Last evaluated: 2023-08-09. Review status: criteria provided, single submitter. Criteria: Invitae Variant Classification Sherloc (09022015). Collection method: clinical testing. Allele origin: germline.
Comment: Advanced modeling of protein sequence and biophysical properties (such as structural, functional, and spatial information, amino acid conservation, physicochemical variation, residue mobility, and thermodynamic stability) performed at Invitae indicates that this missense variant is not expected to disrupt SMCHD1 protein function. In summary, the available evidence is currently insufficient to determine the role of this variant in disease. Therefore, it has been classified as a Variant of Uncertain Significance. This sequence change replaces aspartic acid, which is acidic and polar, with glycine, which is neutral and non-polar, at codon 1233 of the SMCHD1 protein (p.Asp1233Gly). This variant is present in population databases (no rsID available, gnomAD 0.006%). This variant has not been reported in the literature in individuals affected with SMCHD1-related conditions.

GeneDx
Classification: Uncertain significance. Last evaluated: 2023-05-16. Review status: criteria provided, single submitter. Criteria: GeneDx Variant Classification Process June 2021. Collection method: clinical testing. Allele origin: germline. Affected: yes.
Comment: In silico analysis supports that this missense variant has a deleterious effect on protein structure/function; Has not been previously published as pathogenic or benign to our knowledge